The following is an entry in ClinVar:

ClinVar aggregate classification (germline): Pathogenic. Review status: reviewed by expert panel (3 of 4 stars). 2 submissions from 2 submitters: Pathogenic (1). 1 of the submissions does not count toward it. Last evaluated 2013-09-05.

Conditions:
Lynch syndrome. Identifiers: Orphanet 144, MedGen C4552100, MONDO:0005835. Disease mechanism: loss of function.
Hereditary cancer-predisposing syndrome. Also called: Tumor predisposition; Hereditary Cancer Syndrome; Hereditary neoplastic syndrome; Neoplastic Syndromes, Hereditary. Identifiers: Orphanet 140162, MedGen C0027672, MeSH D009386, MONDO:0015356.

Submissions (3):

International Society for Gastrointestinal Hereditary Tumours (InSiGHT)
Classification: Pathogenic for Lynch Syndrome. Last evaluated: 2013-09-05. Review status: reviewed by expert panel. Criteria: Guidelines v1.9. Collection method: research. Allele origin: germline.
Comment: Coding sequence variation resulting in a stop codon

Classified with v1.9 guidelines

Molecular Diagnostics Laboratory, Catalan Institute of Oncology
Classification: Pathogenic for Hereditary cancer-predisposing syndrome. Last evaluated: 2025-02-25. Review status: criteria provided, single submitter. Criteria: MMR VCEP Paper Draft V3.1. Collection method: clinical testing. Allele origin: germline. Not counted in ClinVar's aggregate classification.
Comment: PVS1, PP4, PM2_Supporting c.1477G>T, located in exon 4 of the MSH6 gene, is expected to result in loss of function by premature protein truncation before codon 493, p.(Glu493*)(PVS1). It is not present in the population database gnomAD v2.1.1, non-cancer dataset (PM2_Supporting). No effect is predicted on splicing by computational tools. To our knowledge, functional studies have not been reported for this variant. In addition, the variant was reported as a pathogenic variant in the Insight database (2013/09/05:‘Coding sequence variation resulting in a stop codon’). Based on currently available information, the variant c.1477G>T is classified as a pathogenic variant according to ClinGen-MMR Guidelines version 3.1.

Dr. Peter K. Rogan Lab, Western University
No classification provided (evidence only). Condition: Thyroid cancer, nonmedullary, 1. Review status: no classification provided. Collection method: in vitro. Allele origin: not applicable. Functional consequence: skipped exon. Not counted in ClinVar's aggregate classification.

NM_000179.3(MSH6):c.1477G>T (p.Glu493Ter)

Gene: MSH6 (mutS homolog 6; plus strand). Cytogenetic location: 2p16.3.
Variant type: single nucleotide variant.
Coding change: c.1477G>T on transcript NM_000179.3 (MANE Select); coding-DNA position 1477, G replaced by T.
Protein change: p.Glu493Ter; replaces glutamic acid 493 with a stop codon.
Molecular consequence: nonsense.
Genome position (GRCh38, 1-based): chr2:47,799,460, G>T. VCF-style: chr2-47799460-G-T. GRCh37 (hg19) VCF-style: chr2-48026599-G-T.
Other names: NC_000002.11:g.48026599G>T; c.1087G>T, p.Glu363Ter (NM_001281492.2); c.571G>T, p.Glu191Ter (NM_001281493.2, NM_001281494.2); short protein forms E493*, E363*, E191*.
Identifiers: ClinVar variation 89196 (VCV000089196.4), dbSNP rs267608046, ClinGen allele CA008679.